The following is an entry in ClinVar:

NM_015662.3(IFT172):c.2998C>G (p.Pro1000Ala)

Gene: IFT172 (intraflagellar transport 172; minus strand). Cytogenetic location: 2p23.3.
Variant type: single nucleotide variant.
Coding change: c.2998C>G on transcript NM_015662.3 (MANE Select); coding-DNA position 2998, C replaced by G.
Protein change: p.Pro1000Ala; replaces proline 1000 with alanine.
Molecular consequence: missense variant.
Genome position (GRCh38, 1-based): chr2:27,457,954, G>C on the plus strand (C>G on the coding strand, the complement: IFT172 is on the minus strand). VCF-style: chr2-27457954-G-C. GRCh37 (hg19) VCF-style: chr2-27680821-G-C.
Other names: c.2998C>G (NM_015662.2); short protein forms P1000A.
Identifiers: ClinVar variation 1406917 (VCV001406917.12), dbSNP rs569281478, ClinGen allele CA1580107.

ClinVar aggregate classification (germline): Uncertain significance. Review status: criteria provided, multiple submitters, no conflicts (2 of 4 stars). 3 submissions from 3 submitters: Uncertain significance (3). Last evaluated 2025-05-21.

Conditions:
Bardet-Biedl syndrome 20. Identifiers: MedGen C4310707, MONDO:0023670, OMIM 619471, MONDO:0014926.
Short-rib thoracic dysplasia 10 with or without polydactyly (SRTD10). Identifiers: Orphanet 474, MedGen C3810175, MONDO:0014284, OMIM 615630.
Retinitis pigmentosa 71 (RP71). Identifiers: Orphanet 791, MedGen C4225342, MONDO:0014618, OMIM 616394.
IFT172-related disorder. Also called: IFT172-related disorders; IFT172-related condition.

Allele frequency attached by ClinVar (database versions not stated): ExAC 0.00001; gnomAD exomes 0.00001; 1000 Genomes Project 30x 0.00016; 1000 Genomes Project 0.00020.
gnomAD v4.1: 13 of 1,614,180 alleles (0.00081%); highest among the groups gnomAD compares: African/African-American, 0.016%; no homozygotes.

Submissions (3):

PreventionGenetics, part of Exact Sciences
Classification: Uncertain significance for IFT172-related condition. Last evaluated: 2025-05-21. Review status: criteria provided, single submitter. Criteria: ACMG Guidelines, 2015. Collection method: clinical testing. Allele origin: germline.
Comment: The IFT172 c.2998C>G variant is predicted to result in the amino acid substitution p.Pro1000Ala. To our knowledge, this variant has not been reported in the literature. This variant is reported in 0.012% of alleles in individuals of African descent in gnomAD. At this time, the clinical significance of this variant is uncertain due to the absence of conclusive functional and genetic evidence.

Labcorp Genetics (formerly Invitae), Labcorp
Classification: Uncertain significance for Retinitis pigmentosa 71; Short-rib thoracic dysplasia 10 with or without polydactyly. Last evaluated: 2025-03-31. Review status: criteria provided, single submitter. Criteria: Invitae Variant Classification Sherloc (09022015). Collection method: clinical testing. Allele origin: germline.
Comment: This sequence change replaces proline, which is neutral and non-polar, with alanine, which is neutral and non-polar, at codon 1000 of the IFT172 protein (p.Pro1000Ala). This variant is present in population databases (rs569281478, gnomAD 0.01%). This variant has not been reported in the literature in individuals affected with IFT172-related conditions. ClinVar contains an entry for this variant (Variation ID: 1406917). Invitae Evidence Modeling of protein sequence and biophysical properties (such as structural, functional, and spatial information, amino acid conservation, physicochemical variation, residue mobility, and thermodynamic stability) indicates that this missense variant is not expected to disrupt IFT172 protein function with a negative predictive value of 95%. In summary, the available evidence is currently insufficient to determine the role of this variant in disease. Therefore, it has been classified as a Variant of Uncertain Significance.

Fulgent Genetics
Classification: Uncertain significance for Short-rib thoracic dysplasia 10 with or without polydactyly; Retinitis pigmentosa 71; Bardet-Biedl syndrome 20. Last evaluated: 2022-02-08. Review status: criteria provided, single submitter. Criteria: ACMG Guidelines, 2015. Collection method: clinical testing. Allele origin: unknown.